The following is an entry in ClinVar:

ClinVar aggregate classification (germline): Conflicting classifications of pathogenicity. Review status: criteria provided, conflicting classifications (1 of 4 stars). 4 submissions from 4 submitters: Likely pathogenic (2); Uncertain significance (2). Last evaluated 2026-09-08.

Conditions:
3-methylcrotonyl-CoA carboxylase 2 deficiency. Also called: 3 alpha methylcrotonyl-CoA carboxylase 2 deficiency; 3 alpha methylcrotonylglycinuria 2; MCC 2 deficiency; Methylcrotonylglycinuria type 2; METHYLCROTONYLGLYCINURIA, TYPE II. Identifiers: Orphanet 6, MedGen C1859499, MONDO:0008862, OMIM 210210.

Submissions (4):

Myriad Genetics, Inc.
Classification: Uncertain significance for 3-methylcrotonyl-CoA carboxylase 2 deficiency. Last evaluated: 2026-09-08. Review status: criteria provided, single submitter. Criteria: Myriad Autosomal Dominant, Autosomal Recessive and X-Linked Classification Criteria (2023). Collection method: clinical testing. Allele origin: unknown.
Comment: NM_022132.4(MCCC2):c.693C>G(I231M) is a missense variant classified as a variant of uncertain significance in the context of 3-methylcrotonyl-CoA carboxylase deficiency, MCCC2-related. I231M has not been observed in cases with relevant disease. Relevant functional assessments of this variant are not available in the literature. I231M has not been observed in referenced population frequency databases. In summary, there is insufficient evidence to classify NM_022132.4(MCCC2):c.693C>G(I231M) as pathogenic or benign. Please note: this variant was assessed in the context of healthy population screening.

Labcorp Genetics (formerly Invitae), Labcorp
Classification: Likely pathogenic for 3-methylcrotonyl-CoA carboxylase 2 deficiency. Last evaluated: 2026-01-19. Review status: criteria provided, single submitter. Criteria: Invitae Variant Classification Sherloc (09022015). Collection method: clinical testing. Allele origin: germline.
Comment: This sequence change replaces isoleucine, which is neutral and non-polar, with methionine, which is neutral and non-polar, at codon 231 of the MCCC2 protein (p.Ile231Met). This variant is not present in population databases (gnomAD no frequency). This missense change has been observed in individual(s) with MCCC2-related conditions (PMID: 32778825). ClinVar contains an entry for this variant (Variation ID: 1496516). Invitae Evidence Modeling of protein sequence and biophysical properties (such as structural, functional, and spatial information, amino acid conservation, physicochemical variation, residue mobility, and thermodynamic stability) indicates that this missense variant is expected to disrupt MCCC2 protein function with a positive predictive value of 80%. This variant disrupts the p.Ile231 amino acid residue in MCCC2. Other variant(s) that disrupt this residue have been determined to be pathogenic (PMID: 26589311, 29767664). This suggests that this residue is clinically significant, and that variants that disrupt this residue are likely to be disease-causing. In summary, the currently available evidence indicates that the variant is pathogenic, but additional data are needed to prove that conclusively. Therefore, this variant has been classified as Likely Pathogenic.

Fulgent Genetics
Classification: Likely pathogenic for 3-methylcrotonyl-CoA carboxylase 2 deficiency. Last evaluated: 2024-03-31. Review status: criteria provided, single submitter. Criteria: ACMG Guidelines, 2015. Collection method: clinical testing. Allele origin: germline.

Women's Health and Genetics/Laboratory Corporation of America, LabCorp
Classification: Uncertain significance. Last evaluated: 2024-03-28. Review status: criteria provided, single submitter. Criteria: LabCorp Variant Classification Summary - May 2015. Collection method: clinical testing. Allele origin: germline.
Comment: Variant summary: MCCC2 c.693C>G (p.Ile231Met) results in a conservative amino acid change in the encoded protein sequence. Four of five in-silico tools predict a damaging effect of the variant on protein function. The variant was absent in 251474 control chromosomes. The available data on variant occurrences in the general population are insufficient to allow any conclusion about variant significance. c.693C>G has been reported in the literature in an individual affected with an Inborn error of metabolism (Adhikari_2020). These data do not allow any conclusion about variant significance. To our knowledge, no experimental evidence demonstrating an impact on protein function has been reported. The following publication has been ascertained in the context of this evaluation (PMID: 32778825). ClinVar contains an entry for this variant (Variation ID: 1496516). Based on the evidence outlined above, the variant was classified as uncertain significance.

Literature cited by the submitters: PubMed 32778825 (cited by Labcorp Genetics (formerly Invitae), Labcorp and Women's Health and Genetics/Laboratory Corporation of America, LabCorp); PubMed 26589311 (cited by Labcorp Genetics (formerly Invitae), Labcorp); PubMed 29767664 (cited by Labcorp Genetics (formerly Invitae), Labcorp).

NM_022132.5(MCCC2):c.693C>G (p.Ile231Met)

Gene: MCCC2 (methylcrotonyl-CoA carboxylase subunit 2; plus strand). Cytogenetic location: 5q13.2.
Variant type: single nucleotide variant.
Coding change: c.693C>G on transcript NM_022132.5 (MANE Select); coding-DNA position 693, C replaced by G.
Protein change: p.Ile231Met; replaces isoleucine 231 with methionine.
Molecular consequence: missense variant. On other transcripts: intron variant (1).
Genome position (GRCh38, 1-based): chr5:71,626,708, C>G. VCF-style: chr5-71626708-C-G. GRCh37 (hg19) VCF-style: chr5-70922535-C-G.
Other names: c.625-5413C>G (NM_001363147.1); short protein forms I231M.
Identifiers: ClinVar variation 1496516 (VCV001496516.10), dbSNP rs991996366, ClinGen allele CA119987719.